The following is an entry in ClinVar:

NM_000455.5(STK11):c.965del (p.Ile322fs)

Gene: STK11 (serine/threonine kinase 11; plus strand). Cytogenetic location: 19p13.3.
Variant type: Deletion.
Coding change: c.965del on transcript NM_000455.5 (MANE Select); coding-DNA position 965, one base deleted (T; older notation c.965delT).
Protein change: p.Ile322fs; shifts the reading frame from isoleucine 322.
Molecular consequence: frameshift variant.
Genome position (GRCh38, 1-based): chr19:1,223,029, T deleted. VCF-style (leftmost placement, unchanged base first): chr19-1223028-AT-A. GRCh37 (hg19) VCF-style: chr19-1223027-AT-A.
Other names: c.965delT, p.Ile322Thrfs (NM_001407255.1); short protein forms I322fs.
Identifiers: ClinVar variation 1767692 (VCV001767692.2), dbSNP rs2512948819, ClinGen allele CA2521296829.
Genomic context (GRCh38, chr19:1,223,028, plus strand): 5'-CTTCTGGGCGTTTGCAGCTGGTTCCGGAAGAAACATCCTCCGGCTGAAGCACCAGTGCCC[AT>A]CCCACCGAGCCCAGACACCAAGGACCGGTGGCGCAGCATGACTGTGGTGCCGTACTTGGA-3'

ClinVar aggregate classification (germline): Pathogenic (1 of 4 stars; one submission).

Conditions:
Hereditary cancer-predisposing syndrome. Also called: Hereditary Cancer Syndrome; Hereditary neoplastic syndrome; Neoplastic Syndromes, Hereditary; Tumor predisposition. Identifiers: Orphanet 140162, MedGen C0027672, MeSH D009386, MONDO:0015356.

Submission:

Ambry Genetics
Classification: Pathogenic for Hereditary cancer-predisposing syndrome. Last evaluated: 2021-12-15. Review status: criteria provided, single submitter. Criteria: Ambry Variant Classification Scheme 2023. Collection method: clinical testing. Allele origin: germline.
Comment: The c.965delT pathogenic mutation, located in coding exon 8 of the STK11 gene, results from a deletion of one nucleotide at nucleotide position 965, causing a translational frameshift with a predicted alternate stop codon (p.I322Tfs*14). This alteration is expected to result in loss of function by premature protein truncation or nonsense-mediated mRNA decay. As such, this alteration is interpreted as a disease-causing mutation.